The following is an entry in ClinVar:

NM_000492.4(CFTR):c.772A>G (p.Arg258Gly)

Gene: CFTR (CF transmembrane conductance regulator; plus strand). Cytogenetic location: 7q31.2.
Variant type: single nucleotide variant.
Coding change: c.772A>G on transcript NM_000492.4 (MANE Select); coding-DNA position 772, A replaced by G.
Protein change: p.Arg258Gly; replaces arginine 258 with glycine.
Molecular consequence: missense variant.
Genome position (GRCh38, 1-based): chr7:117,536,576, A>G. VCF-style: chr7-117536576-A-G. GRCh37 (hg19) VCF-style: chr7-117176630-A-G.
Other names: short protein forms R258G.
Identifiers: ClinVar variation 54055 (VCV000054055.88), dbSNP rs191456345, ClinGen allele CA327648.

ClinVar aggregate classification (germline): Conflicting classifications of pathogenicity. Review status: criteria provided, conflicting classifications (1 of 4 stars). 22 submissions from 22 submitters: Pathogenic (10); Likely pathogenic (7); Uncertain significance (4). 1 of the submissions does not count toward it. Last evaluated 2026-08-06.

Conditions:
CFTR-related disorder (CFTR-RD). Also called: CFTR-related disorders; CFTR-related condition. Identifiers: MedGen C5924204, MONDO:7770004.
Cystic fibrosis diagnostic test.
Congenital bilateral aplasia of vas deferens from CFTR mutation (CBAVD). Identifiers: Orphanet 48, MedGen C0403814, MONDO:0010178, OMIM 277180. Disease mechanism: loss of function.
Cystic fibrosis (CF). Also called: MUCOVISCIDOSIS. Identifiers: Orphanet 586, MedGen C0010674, MONDO:0009061, OMIM 219700. Disease mechanism: loss of function.
Bronchiectasis with or without elevated sweat chloride 1 (BESC1). Also called: Cystic Fibrosis-Like Syndrome. Identifiers: Orphanet 60033, MedGen C2749757, MONDO:0008887, OMIM 211400.
Hereditary pancreatitis (PCTT). Also called: PRSS1-Related Hereditary Pancreatitis; Hereditary chronic pancreatitis. Identifiers: Orphanet 676, MedGen C0238339, MONDO:0008185, OMIM 167800.

Allele frequency attached by ClinVar (database versions not stated): gnomAD exomes 0.00009 and 0.00018; gnomAD 0.00011 and 0.00012; TOPMed 0.00014; 1000 Genomes Project 30x 0.00016; 1000 Genomes Project 0.00020; ExAC 0.00024.
gnomAD v4.1: 153 of 1,602,530 alleles (0.0095%); highest among the groups gnomAD compares: Admixed American, 0.073%; no homozygotes.

Submissions 1 to 9 of 22:

NHS Central & South Genomic Laboratory Hub
Classification: Likely pathogenic for Cystic fibrosis diagnostic test. Last evaluated: 2026-08-06. Review status: criteria provided, single submitter. Criteria: ACMG Guidelines, 2015. Collection method: clinical testing. Allele origin: germline. Affected: yes.

OLLIN Analises Genomicas, OLLIN
Classification: Pathogenic for Hereditary pancreatitis. Last evaluated: 2026-08-06. Review status: criteria provided, single submitter. Criteria: ACMG Guidelines 2015 PMID 25741868. Collection method: clinical testing. Allele origin: germline. Inheritance: Autosomal recessive inheritance.
Comment: This missense variant, located in exon 7 (of 27), has been reported in ClinVar (accession VCV000054055.85) and in gnomAD with an allele frequency of 0.0095%. However, to our knowledge, it has not been reported in the scientific literature. Functional studies suggest that this variant may affect protein function, and in silico analysis predicts a deleterious effect. According to the currently available evidence, this variant has been classified as pathogenic (PS3_S, PS4, PM2_P, PM3_VS, PP3_M).

Dasa
Classification: Pathogenic. Last evaluated: 2026-03-27. Review status: criteria provided, single submitter. Criteria: DASA Assertion Criteria. Collection method: clinical testing. Allele origin: germline.
Comment: NM_000492.4(CFTR):c.772A>G (p.Arg258Gly) is a missense variant that results in the substitution of arginine with glycine. Functional evidence supports a deleterious effect on the gene or gene product (PMID: 7529962; PMID: 10376575; PMID: 11466205; PMID: 19810821; PMID: 9305991). This variant has been recurrently observed in individuals with related phenotype (PMID: 7529962; PMID: 10376575; PMID: 11466205; PMID: 19810821; PMID: 9305991). Multiple computational predictions support a deleterious effect on the gene or gene product. The variant is present at low frequency in population datasets. Based on the available data, this variant is classified as pathogenic.

Labcorp Genetics (formerly Invitae), Labcorp
Classification: Pathogenic for Cystic fibrosis. Last evaluated: 2026-01-12. Review status: criteria provided, single submitter. Criteria: Invitae Variant Classification Sherloc (09022015). Collection method: clinical testing. Allele origin: germline.
Comment: This sequence change replaces arginine, which is basic and polar, with glycine, which is neutral and non-polar, at codon 258 of the CFTR protein (p.Arg258Gly). This variant is present in population databases (rs191456345, gnomAD 0.08%). This missense change has been observed in individuals with CFTR-related conditions (PMID: 7529962, 10376575, 11466205, 19810821). ClinVar contains an entry for this variant (Variation ID: 54055). Invitae Evidence Modeling of protein sequence and biophysical properties (such as structural, functional, and spatial information, amino acid conservation, physicochemical variation, residue mobility, and thermodynamic stability) indicates that this missense variant is expected to disrupt CFTR protein function with a positive predictive value of 80%. Experimental studies have shown that this missense change affects CFTR function (PMID: 9305991, 16196493, 23104983). For these reasons, this variant has been classified as Pathogenic.

Ambry Genetics
Classification: Likely pathogenic for Cystic fibrosis. Last evaluated: 2025-12-12. Review status: criteria provided, single submitter. Criteria: Ambry Variant Classification Scheme 2023. Collection method: clinical testing. Allele origin: germline.
Comment: The p.R258G variant (also known as c.772A>G), located in coding exon 7 of the CFTR gene, results from an A to G substitution at nucleotide position 772. The arginine at codon 258 is replaced by glycine, an amino acid with dissimilar properties. Another study described this variant in five unrelated individuals with CFTR-related disorders; three individuals with CBAVD were compound heterozygotes with another CFTR alteration, while one individual with chronic pancreatitis carried only this alteration and one individual with bronchiectasis carried this alteration in cis with two other CFTR alterations (Masvidal L et al. Genet Test Mol Biomarkers, 2009 Dec;13:765-8). In multiple assays testing CFTR function, this variant showed functionally abnormal results (Seibert FS et al. Biochemistry, 1997 Sep;36:11966-74; Bihler H et al. J Cyst Fibros, 2024 Jul;23:664-675). The p.R258G variant has been reported as a variant of varying clinical consequences (VVCC) (Sosnay PR et al. Pediatr. Clin. North Am., 2016 08;63:585-98; The Clinical and Functional TRanslation of CFTR (CFTR2); available at CFTR2. Accessed January 15, 2020). This amino acid position is highly conserved in available vertebrate species. In addition, this alteration is predicted to be deleterious by in silico analysis. Based on the majority of available evidence to date, this variant is likely to be pathogenic.

PreventionGenetics, part of Exact Sciences
Classification: Likely pathogenic for CFTR-related condition. Last evaluated: 2025-09-26. Review status: criteria provided, single submitter. Criteria: ACMG Guidelines, 2015. Collection method: clinical testing. Allele origin: germline.
Comment: The CFTR c.772A>G variant is predicted to result in the amino acid substitution p.Arg258Gly. This variant has been reported in the compound heterozygous state in individuals with congenital bilateral absence of vas deferens (Chillón et al. 1995. PubMed ID: 7739684; Mercier et al. 1995. PubMed ID: 7529962; Masividal et al. 2009. PubMed ID: 19810821). This variant has also been reported, along with a pathogenic variant in CFTR (phase unknown), in a patient with congenital bilateral absence of vas deferens and with a likely benign CFTR variant in an individual with obstructive azoospermia (Larriba et al. 2001. PubMed ID: 11466205; Mak et al. 1999. PubMed ID: 10376575). In vitro functional studies suggest this variant leads to reduced CFTR expression at the cell surface (Seibert et al. 1997. PubMed ID: 9305991). This variant is classified as a variant with varying consequences in the CFTR2 database and has been reported in an individual with cystic fibrosis, individuals with CFTR-related disorders, as well as in the compound heterozygous state in an asympotmatic individual in the CFTR France database.This variant is reported in 0.090% of alleles in individuals of Latino descent in gnomAD. Taken together, this variant is interpreted as likely pathogenic.

Women's Health and Genetics/Laboratory Corporation of America, LabCorp
Classification: Pathogenic for Congenital bilateral aplasia of vas deferens from CFTR mutation. Last evaluated: 2025-04-29. Review status: criteria provided, single submitter. Criteria: LabCorp Variant Classification Summary - May 2015. Collection method: clinical testing. Allele origin: germline.
Comment: Variant summary: CFTR c.772A>G (p.Arg258Gly) results in a non-conservative amino acid change located in the ABC transporter type 1, transmembrane domain (IPRIPR011527) of the encoded protein sequence. Five of five in-silico tools predict a damaging effect of the variant on protein function. The variant allele was found at a frequency of 0.00019 in 236970 control chromosomes. This frequency is not significantly higher than estimated for a pathogenic variant in CFTR causing Congenital Bilateral Absence Of The Vas Deferens (0.00019 vs 0.013), allowing no conclusion about variant significance. c.772A>G has been reported in CBAVD patients in compound heterozygosity with disease-causing CFTR alleles including F508del, Ser945Leu, and Tyr1092X, indicating pathogenicity for CBAVD (examples: Chillon_1995, Masvidal_2009). These data indicate that the variant is likely to be associated with disease. Additionally, functional studies have shown that the Arg258Gly variant disrupts biosynthesis of the protein, inhibits maturation and transport of the CFTR protein to the cell surface, and results in approximately 7% of normal chloride channel conductance relative to wild type (Seibert_1997, Bihler_2024). The following publications have been ascertained in the context of this evaluation (PMID: 15097853, 7739684, 9239681, 17413420, 23104983, 25033378, 22483971, 16196493, 10376575, 19810821, 7529962, 34196078, 28785019, 25735457, 36409994, 9305991, 34442373, 23687349, 28830496, 19812525, 38388235). ClinVar contains an entry for this variant (Variation ID: 54055). Based on the evidence outlined above, the variant was classified as pathogenic.

Blueprint Genetics
Classification: Likely pathogenic for CFTR-related disorders. Last evaluated: 2024-05-08. Review status: criteria provided, single submitter. Criteria: ACMG Guidelines, 2015. Collection method: clinical testing. Allele origin: germline. Affected: yes. Observed: 5 variant alleles.

Fulgent Genetics
Classification: Likely pathogenic for Hereditary pancreatitis; Bronchiectasis with or without elevated sweat chloride 1; Cystic fibrosis; Congenital bilateral aplasia of vas deferens from CFTR mutation. Last evaluated: 2024-01-29. Review status: criteria provided, single submitter. Criteria: ACMG Guidelines, 2015. Collection method: clinical testing. Allele origin: germline.